The following is an entry in ClinVar:

NM_005378.6(MYCN):c.621dup (p.Ala208fs)

Gene: MYCN (MYCN proto-oncogene, bHLH transcription factor; plus strand). Cytogenetic location: 2p24.3.
Variant type: Duplication.
Coding change: c.621dup on transcript NM_005378.6 (MANE Select); coding-DNA position 621, one base duplicated (A; older notation c.621dupA).
Protein change: p.Ala208fs; shifts the reading frame from alanine 208.
Molecular consequence: frameshift variant. On other transcripts: 3 prime UTR variant (1), intron variant (1).
Genome position (GRCh38, 1-based): chr2:15,942,685, A duplicated. VCF-style (leftmost placement, unchanged base first): chr2-15942684-C-CA. GRCh37 (hg19) VCF-style: chr2-16082806-C-CA.
Other names: c.621dup, p.Ala208fs (NM_001293228.2); c.*556dup (NM_001293233.2); c.157+1942dup (NM_001293231.2); short protein forms A208fs.
Identifiers: ClinVar variation 2108584 (VCV002108584.5), dbSNP rs2527927539, ClinGen allele CA2580063668.

ClinVar aggregate classification (germline): Pathogenic/Likely pathogenic. Review status: criteria provided, multiple submitters, no conflicts (2 of 4 stars). 2 submissions from 2 submitters: Pathogenic (1); Likely pathogenic (1). Last evaluated 2023-08-08.

Conditions:
Feingold syndrome type 1 (FGLDS1). Also called: MICROCEPHALY, MENTAL RETARDATION, AND TRACHEOESOPHAGEAL FISTULA SYNDROME; MICROCEPHALY-OCULO-DIGITO-ESOPHAGEAL-DUODENAL SYNDROME; OCULODIGITOESOPHAGODUODENAL SYNDROME; ODED SYNDROME; MICROCEPHALY AND DIGITAL ABNORMALITIES WITH NORMAL INTELLIGENCE. Identifiers: Orphanet 1305, Orphanet 391641, MedGen C4551774, MONDO:0008115, OMIM 164280.

Submissions (2):

Clinical Genomics Laboratory, Washington University in St. Louis
Classification: Likely pathogenic for Feingold syndrome type 1. Last evaluated: 2023-08-08. Review status: criteria provided, single submitter. Criteria: ACMG Guidelines, 2015. Collection method: clinical testing. Allele origin: germline. Affected: yes.
Comment: The MYCN c.621dup (p.Ala208fs) variant, to our knowledge, has not been reported in the medical literature but has been reported in the ClinVar database as a germline pathogenic variant by a single submitter. This variant is absent from the general population (gnomAD v.2.1.1), indicating it is not a common variant. This variant causes a frameshift by duplicating a single nucleotide, leading to a premature termination codon; however, because this occurs in the penultimate exon more than 100 nucleotides from the last exon junction complex, it is uncertain if this would lead to nonsense mediated decay. Additionally, other variants that introduce a nonsense codon in this region and downstream have been reported in affected individuals and are considered pathogenic (Blaumeiser B et al., PMID: 18671284; Cognet M et al., PMID: 21224895). Based on available information and the ACMG/AMP guidelines for variant interpretation (Richards S et al., PMID: 25741868), this variant is classified as likely pathogenic.

Labcorp Genetics (formerly Invitae), Labcorp
Classification: Pathogenic. Last evaluated: 2022-09-14. Review status: criteria provided, single submitter. Criteria: Invitae Variant Classification Sherloc (09022015). Collection method: clinical testing. Allele origin: germline.
Comment: This variant disrupts a region of the MYCN protein in which other variant(s) (p.Arg373*) have been determined to be pathogenic (PMID: 15821734). This suggests that this is a clinically significant region of the protein, and that variants that disrupt it are likely to be disease-causing. This variant has not been reported in the literature in individuals affected with MYCN-related conditions. This variant is not present in population databases (gnomAD no frequency). This sequence change creates a premature translational stop signal (p.Ala208Serfs*58) in the MYCN gene. While this is not anticipated to result in nonsense mediated decay, it is expected to disrupt the last 257 amino acid(s) of the MYCN protein. For these reasons, this variant has been classified as Pathogenic.

Literature cited by the submitters: PubMed 15821734 (cited by Labcorp Genetics (formerly Invitae), Labcorp).